The following is an entry in ClinVar:

NM_001039958.2(MESP2):c.561G>A (p.Gly187=)

Gene: MESP2 (mesoderm posterior bHLH transcription factor 2; plus strand). Cytogenetic location: 15q26.1.
Variant type: single nucleotide variant.
Coding change: c.561G>A on transcript NM_001039958.2 (MANE Select); coding-DNA position 561, G replaced by A.
Protein change: p.Gly187=; no amino-acid change (glycine 187 retained).
Molecular consequence: synonymous variant.
Genome position (GRCh38, 1-based): chr15:89,776,918, G>A. VCF-style: chr15-89776918-G-A. GRCh37 (hg19) VCF-style: chr15-90320149-G-A.
Identifiers: ClinVar variation 317388 (VCV000317388.28), dbSNP rs767474985, ClinGen allele CA7730455.

ClinVar aggregate classification (germline): Conflicting classifications of pathogenicity. Review status: criteria provided, conflicting classifications (1 of 4 stars). 5 submissions from 5 submitters: Uncertain significance (1); Likely benign (3). 1 of the submissions does not count toward it. Last evaluated 2026-07-01.

Conditions:
Spondylocostal dysostosis 2, autosomal recessive (SCDO2). Also called: MESP2-Related Spondylocostal Dysostosis, Autosomal Recessive; Spondylocostal dysostosis type 2. Identifiers: Orphanet 2311, MedGen C1837549, MONDO:0012097, OMIM 608681.

Allele frequency attached by ClinVar (database versions not stated): gnomAD 0.00002; gnomAD exomes 0.00006; ExAC 0.00019.

Submissions (5):

CeGaT Center for Human Genetics Tuebingen
Classification: Likely benign. Last evaluated: 2026-07-01. Review status: criteria provided, single submitter. Criteria: CeGaT Center For Human Genetics Tuebingen Variant Classification Criteria Version 2. Collection method: clinical testing. Allele origin: germline. Affected: yes. Observed: 3 variant alleles.
Comment: MESP2: BP4, BP7

Labcorp Genetics (formerly Invitae), Labcorp
Classification: Likely benign. Last evaluated: 2024-01-19. Review status: criteria provided, single submitter. Criteria: Invitae Variant Classification Sherloc (09022015). Collection method: clinical testing. Allele origin: germline.

Genome-Nilou Lab
Classification: Likely benign for Spondylocostal dysostosis 2, autosomal recessive. Last evaluated: 2021-06-10. Review status: criteria provided, single submitter. Criteria: ACMG Guidelines, 2015. Collection method: clinical testing. Allele origin: germline. Affected: no.

Illumina Laboratory Services, Illumina
Classification: Uncertain significance for Spondylocostal dysostosis 2, autosomal recessive. Last evaluated: 2018-01-13. Review status: criteria provided, single submitter. Criteria: ICSL Variant Classification Criteria 13 December 2019. Collection method: clinical testing. Allele origin: germline.

Natera, Inc.
Classification: Likely benign for Spondylocostal dysostosis type 2. Last evaluated: 2020-09-16. Review status: no assertion criteria provided. Collection method: clinical testing. Allele origin: germline. Not counted in ClinVar's aggregate classification.